The following is an entry in ClinVar:

ClinVar aggregate classification (germline): Likely benign. Review status: criteria provided, multiple submitters, no conflicts (2 of 4 stars). 3 submissions from 3 submitters: Likely benign (3). Last evaluated 2025-10-27.

Conditions:
INF2-related disorder. Also called: INF2-related condition.
Charcot-Marie-Tooth disease dominant intermediate E. Also called: CHARCOT-MARIE-TOOTH NEUROPATHY WITH FOCAL SEGMENTAL GLOMERULONEPHRITIS. Identifiers: Orphanet 93114, MedGen C4302667, MONDO:0013758, OMIM 614455.
Focal segmental glomerulosclerosis 5 (FSGS5). Identifiers: Orphanet 656, MedGen C2750475, MONDO:0013191, OMIM 613237.

Allele frequency attached by ClinVar (database versions not stated): gnomAD exomes 0.00002; gnomAD 0.00003; TOPMed 0.00003; ExAC 0.00011.
gnomAD v4.1: 29 of 1,571,230 alleles (0.0018%); highest among the groups gnomAD compares: Admixed American, 0.0089%; no homozygotes.

Submissions (3):

PreventionGenetics, part of Exact Sciences
Classification: Likely benign for INF2-related condition. Last evaluated: 2025-10-27. Review status: criteria provided, single submitter. Criteria: ACMG Guidelines, 2015. Collection method: clinical testing. Allele origin: germline.
Comment: This variant is classified as likely benign based on ACMG/AMP sequence variant interpretation guidelines (Richards et al. 2015 PMID: 25741868, with internal and published modifications).

Labcorp Genetics (formerly Invitae), Labcorp
Classification: Likely benign for Charcot-Marie-Tooth disease dominant intermediate E; Focal segmental glomerulosclerosis 5. Last evaluated: 2024-06-17. Review status: criteria provided, single submitter. Criteria: Invitae Variant Classification Sherloc (09022015). Collection method: clinical testing. Allele origin: germline.

GeneDx
Classification: Likely benign. Last evaluated: 2018-01-03. Review status: criteria provided, single submitter. Criteria: GeneDx Variant Classification (06012015). Collection method: clinical testing. Allele origin: germline. Affected: yes.
Comment: This variant is considered likely benign or benign based on one or more of the following criteria: it is a conservative change, it occurs at a poorly conserved position in the protein, it is predicted to be benign by multiple in silico algorithms, and/or has population frequency not consistent with disease.

NM_022489.4(INF2):c.985+10C>T

Gene: INF2 (inverted formin 2; plus strand). Cytogenetic location: 14q32.33.
Variant type: single nucleotide variant.
Coding change: c.985+10C>T on transcript NM_022489.4 (MANE Select); 10 bases into the intron after coding-DNA position 985, C replaced by T.
Molecular consequence: intron variant.
Genome position (GRCh38, 1-based): chr14:104,707,061, C>T. VCF-style: chr14-104707061-C-T. GRCh37 (hg19) VCF-style: chr14-105173398-C-T.
Other names: c.985+10C>T (NM_001031714.4).
Identifiers: ClinVar variation 472872 (VCV000472872.11), dbSNP rs755849718, ClinGen allele CA7372475.